The following is an entry in ClinVar:

NM_001031689.3(PLAA):c.1816C>T (p.Pro606Ser)

Gene: PLAA (phospholipase A2 activating protein; minus strand). Cytogenetic location: 9p21.2.
Variant type: single nucleotide variant.
Coding change: c.1816C>T on transcript NM_001031689.3 (MANE Select); coding-DNA position 1816, C replaced by T.
Protein change: p.Pro606Ser; replaces proline 606 with serine.
Molecular consequence: missense variant.
Genome position (GRCh38, 1-based): chr9:26,907,840, G>A on the plus strand (C>T on the coding strand, the complement: PLAA is on the minus strand). VCF-style: chr9-26907840-G-A. GRCh37 (hg19) VCF-style: chr9-26907838-G-A.
Other names: c.1747C>T, p.Pro583Ser (NM_001321546.2); short protein forms P583S, P606S.
Identifiers: ClinVar variation 4767486 (VCV004767486.1).

ClinVar aggregate classification (germline): Uncertain significance (1 of 4 stars; one submission).

Submission:

Labcorp Genetics (formerly Invitae), Labcorp
Classification: Uncertain significance. Last evaluated: 2025-07-14. Review status: criteria provided, single submitter. Criteria: Invitae Variant Classification Sherloc (09022015). Collection method: clinical testing. Allele origin: germline.
Comment: This sequence change replaces proline, which is neutral and non-polar, with serine, which is neutral and polar, at codon 606 of the PLAA protein (p.Pro606Ser). This variant is not present in population databases (gnomAD no frequency). This variant has not been reported in the literature in individuals affected with PLAA-related conditions. Invitae Evidence Modeling of protein sequence and biophysical properties (such as structural, functional, and spatial information, amino acid conservation, physicochemical variation, residue mobility, and thermodynamic stability) has been performed for this missense variant. However, the output from this modeling did not meet the statistical confidence thresholds required to predict the impact of this variant on PLAA protein function. In summary, the available evidence is currently insufficient to determine the role of this variant in disease. Therefore, it has been classified as a Variant of Uncertain Significance.